The following is an entry in ClinVar:

ClinVar aggregate classification (germline): Uncertain significance (1 of 4 stars; one submission).

Conditions:
Hereditary cancer-predisposing syndrome. Also called: Neoplastic Syndromes, Hereditary; Tumor predisposition; Hereditary neoplastic syndrome; Hereditary Cancer Syndrome. Identifiers: Orphanet 140162, MedGen C0027672, MeSH D009386, MONDO:0015356.

gnomAD v4.1: 2 of 1,614,042 alleles (0.00012%); no homozygotes.

Submission:

Ambry Genetics
Classification: Uncertain significance for Hereditary cancer-predisposing syndrome. Last evaluated: 2024-02-29. Review status: criteria provided, single submitter. Criteria: Ambry Variant Classification Scheme 2023. Collection method: clinical testing. Allele origin: germline.
Comment: The p.D23E variant (also known as c.69C>A), located in coding exon 1 of the CDC73 gene, results from a C to A substitution at nucleotide position 69. The aspartic acid at codon 23 is replaced by glutamic acid, an amino acid with highly similar properties. This amino acid position is conserved. In addition, this alteration is predicted to be tolerated by in silico analysis. Based on the available evidence, the clinical significance of this alteration remains unclear.

NM_024529.5(CDC73):c.69C>A (p.Asp23Glu)

Gene: CDC73 (cell division cycle 73; plus strand). Cytogenetic location: 1q31.2.
Variant type: single nucleotide variant.
Coding change: c.69C>A on transcript NM_024529.5 (MANE Select); coding-DNA position 69, C replaced by A.
Protein change: p.Asp23Glu; replaces aspartic acid 23 with glutamic acid.
Molecular consequence: missense variant.
Genome position (GRCh38, 1-based): chr1:193,122,269, C>A. VCF-style: chr1-193122269-C-A. GRCh37 (hg19) VCF-style: chr1-193091399-C-A.
Other names: short protein forms D23E.
Identifiers: ClinVar variation 3227883 (VCV003227883.1), dbSNP rs1675465120, ClinGen allele CA343972873.